The following is an entry in ClinVar:

NM_018124.4(RFWD3):c.286C>G (p.Pro96Ala)

Gene: RFWD3 (ring finger and WD repeat domain 3; minus strand). Cytogenetic location: 16q23.1.
Variant type: single nucleotide variant.
Coding change: c.286C>G on transcript NM_018124.4 (MANE Select); coding-DNA position 286, C replaced by G.
Protein change: p.Pro96Ala; replaces proline 96 with alanine.
Molecular consequence: missense variant. On other transcripts: 5 prime UTR variant (4), intron variant (1).
Genome position (GRCh38, 1-based): chr16:74,661,164, G>C on the plus strand (C>G on the coding strand, the complement: RFWD3 is on the minus strand). VCF-style: chr16-74661164-G-C. GRCh37 (hg19) VCF-style: chr16-74695062-G-C.
Other names: c.286C>G, p.Pro96Ala (NM_001370534.1, NM_001370535.1, NM_001370536.1); c.-723C>G (NM_001370537.1); c.-346C>G (NM_001370539.1, NM_001370541.1); c.-600C>G (NM_001370542.1); c.-478C>G (NM_001370543.1); c.-317+3460C>G (NM_001370540.1); short protein forms P96A.
Identifiers: ClinVar variation 2878432 (VCV002878432.3), dbSNP rs2544142287, ClinGen allele CA396764234.

ClinVar aggregate classification (germline): Uncertain significance (1 of 4 stars; one submission).

Allele frequency attached by ClinVar (database versions not stated): gnomAD exomes below 0.00001.
gnomAD v4.1: 4 of 1,614,206 alleles (0.00025%); highest among the groups gnomAD compares: Non-Finnish European, 0.00034%; no homozygotes.

Submission:

Labcorp Genetics (formerly Invitae), Labcorp
Classification: Uncertain significance. Last evaluated: 2022-11-30. Review status: criteria provided, single submitter. Criteria: Invitae Variant Classification Sherloc (09022015). Collection method: clinical testing. Allele origin: germline.
Comment: In summary, the available evidence is currently insufficient to determine the role of this variant in disease. Therefore, it has been classified as a Variant of Uncertain Significance. Algorithms developed to predict the effect of missense changes on protein structure and function are either unavailable or do not agree on the potential impact of this missense change (SIFT: "Tolerated"; PolyPhen-2: "Probably Damaging"; Align-GVGD: "Class C0"). This variant has not been reported in the literature in individuals affected with RFWD3-related conditions. This variant is not present in population databases (gnomAD no frequency). This sequence change replaces proline, which is neutral and non-polar, with alanine, which is neutral and non-polar, at codon 96 of the RFWD3 protein (p.Pro96Ala).